The following is an entry in ClinVar:

NM_021222.3(PRUNE1):c.47G>A (p.Arg16Gln)

Gene: PRUNE1 (prune exopolyphosphatase 1; plus strand). Cytogenetic location: 1q21.3.
Variant type: single nucleotide variant.
Coding change: c.47G>A on transcript NM_021222.3 (MANE Select); coding-DNA position 47, G replaced by A.
Protein change: p.Arg16Gln; replaces arginine 16 with glutamine.
Molecular consequence: missense variant. On other transcripts: 5 prime UTR variant (2), non-coding transcript variant (3).
Genome position (GRCh38, 1-based): chr1:151,017,819, G>A. VCF-style: chr1-151017819-G-A. GRCh37 (hg19) VCF-style: chr1-150990295-G-A.
Other names: c.-297G>A (NM_001303229.2); c.47G>A, p.Arg16Gln (NM_001303242.2); c.-213G>A (NM_001303243.2); short protein forms R16Q.
Identifiers: ClinVar variation 2168756 (VCV002168756.3), dbSNP rs764540867, ClinGen allele CA1083672.

ClinVar aggregate classification (germline): Uncertain significance (1 of 4 stars; one submission).

Allele frequency attached by ClinVar (database versions not stated): ExAC 0.00002; TOPMed 0.00043; gnomAD 0.00064.
gnomAD v4.1: 158 of 1,586,772 alleles (0.01%); highest among the groups gnomAD compares: Admixed American, 0.22%; 1 homozygote.

Submission:

Labcorp Genetics (formerly Invitae), Labcorp
Classification: Uncertain significance. Last evaluated: 2024-06-17. Review status: criteria provided, single submitter. Criteria: Invitae Variant Classification Sherloc (09022015). Collection method: clinical testing. Allele origin: germline.
Comment: This sequence change replaces arginine, which is basic and polar, with glutamine, which is neutral and polar, at codon 16 of the PRUNE1 protein (p.Arg16Gln). This variant is present in population databases (rs764540867, gnomAD 0.1%). This variant has not been reported in the literature in individuals affected with PRUNE1-related conditions. ClinVar contains an entry for this variant (Variation ID: 2168756). Advanced modeling of protein sequence and biophysical properties (such as structural, functional, and spatial information, amino acid conservation, physicochemical variation, residue mobility, and thermodynamic stability) performed at Invitae indicates that this missense variant is not expected to disrupt PRUNE1 protein function with a negative predictive value of 80%. In summary, the available evidence is currently insufficient to determine the role of this variant in disease. Therefore, it has been classified as a Variant of Uncertain Significance.